The following is an entry in ClinVar:

NM_001943.5(DSG2):c.46-3C>T

Gene: DSG2 (desmoglein 2; plus strand). Cytogenetic location: 18q12.1.
Variant type: single nucleotide variant.
Coding change: c.46-3C>T on transcript NM_001943.5 (MANE Select); 3 bases into the intron before coding-DNA position 46, C replaced by T.
Molecular consequence: intron variant.
Genome position (GRCh38, 1-based): chr18:31,518,236, C>T. VCF-style: chr18-31518236-C-T. GRCh37 (hg19) VCF-style: chr18-29098199-C-T.
Other names: c.46-3C>T (LRG_397t1).
Identifiers: ClinVar variation 514432 (VCV000514432.9), dbSNP rs777302616, ClinGen allele CA048959.
Genomic context (GRCh38, chr18:31,518,236, plus strand): 5'-ACAATGTTTTCACACTGAATTGAGCAGTAAATTGGCTAAATATCAAATAATTTTATTTTA[C>T]AGATCTGCTTTAACGTTGGAAGTGGACTTCACTTACAGGTGAGGAAACAAAGGGATTATT-3'

ClinVar aggregate classification (germline): Conflicting classifications of pathogenicity. Review status: criteria provided, conflicting classifications (1 of 4 stars). 5 submissions from 5 submitters: Uncertain significance (2); Likely benign (3). Last evaluated 2026-08-31.

Conditions:
Arrhythmogenic right ventricular cardiomyopathy (ARVD). Also called: Arrhythmogenic cardiomyopathy; Arrhythmogenic Right Ventricular Cardiomyopathy (ARVC); Cardiomyopathy, ARVC; Arrhythmogenic right ventricular dysplasia. Identifiers: Orphanet 247, MedGen C0349788, MeSH D019571, MONDO:0016587. Disease mechanism: loss of function. Inheritance: Various modes of inheritance.
Cardiomyopathy (CMYO). Also called: Cardiomyopathies. Identifiers: Orphanet 167848, MedGen C0878544, MONDO:0004994, HP:0001638. Inheritance: Various modes of inheritance.
Arrhythmogenic right ventricular dysplasia 10. Also called: ARRHYTHMOGENIC RIGHT VENTRICULAR DYSPLASIA, FAMILIAL, 10; Arrhythmogenic right ventricular dysplasia/cardiomyopathy, type 10; Arrhythmogenic Right Ventricular Dysplasia/Cardiomyopathy10. Identifiers: MedGen C1857777, MONDO:0012434, OMIM 610193.
Cardiovascular phenotype. Identifiers: MedGen CN230736.

Allele frequency attached by ClinVar (database versions not stated): ExAC 0.00001; gnomAD 0.00001; gnomAD exomes 0.00001.
gnomAD v4.1: 7 of 1,611,104 alleles (0.00043%); highest among the groups gnomAD compares: East Asian, 0.0045%; no homozygotes.

Submissions (5):

Ambry Genetics
Classification: Uncertain significance for Cardiovascular phenotype. Last evaluated: 2026-08-31. Review status: criteria provided, single submitter. Criteria: Ambry Variant Classification Scheme 2023. Collection method: clinical testing. Allele origin: germline.
Comment: The c.46-3C>T intronic variant results from a C to T substitution 3 nucleotides before coding exon 2 in the DSG2 gene. This nucleotide position is well conserved in available vertebrate species. In silico splice site analysis predicts that this alteration will not have any significant effect on splicing. Based on the available evidence, the clinical significance of this variant remains unclear.

Labcorp Genetics (formerly Invitae), Labcorp
Classification: Uncertain significance for Arrhythmogenic right ventricular dysplasia 10. Last evaluated: 2026-01-04. Review status: criteria provided, single submitter. Criteria: Invitae Variant Classification Sherloc (09022015). Collection method: clinical testing. Allele origin: germline.
Comment: This sequence change falls in intron 1 of the DSG2 gene. It does not directly change the encoded amino acid sequence of the DSG2 protein. It affects a nucleotide within the consensus splice site. This variant is present in population databases (rs777302616, gnomAD 0.005%). This variant has not been reported in the literature in individuals affected with DSG2-related conditions. ClinVar contains an entry for this variant (Variation ID: 514432). Variants that disrupt the consensus splice site are a relatively common cause of aberrant splicing (PMID: 17576681, 9536098). Algorithms developed to predict the effect of sequence changes on RNA splicing suggest that this variant is not likely to affect RNA splicing. In summary, the available evidence is currently insufficient to determine the role of this variant in disease. Therefore, it has been classified as a Variant of Uncertain Significance.

All of Us Research Program, National Institutes of Health
Classification: Likely benign for Arrhythmogenic right ventricular cardiomyopathy. Last evaluated: 2023-12-13. Review status: criteria provided, single submitter. Criteria: ACMG Guidelines, 2015. Collection method: clinical testing. Allele origin: germline. Inheritance: Autosomal dominant inheritance. Observed: 2 variant alleles, 2 heterozygotes.
Comment: This study involves interpretation of variants in research participants for the purpose of population health screening. Participant phenotype was not available at the time of variant classification. Additional details can be found in publication PMID: 35346344, PMCID: PMC8962531

Color Diagnostics, LLC DBA Color Health
Classification: Likely benign for Cardiomyopathy. Last evaluated: 2018-12-01. Review status: criteria provided, single submitter. Criteria: ACMG Guidelines, 2015. Collection method: clinical testing. Allele origin: germline.

GeneDx
Classification: Likely benign. Last evaluated: 2018-01-08. Review status: criteria provided, single submitter. Criteria: GeneDx Variant Classification (06012015). Collection method: clinical testing. Allele origin: germline. Affected: yes.
Comment: This variant is considered likely benign or benign based on one or more of the following criteria: it is a conservative change, it occurs at a poorly conserved position in the protein, it is predicted to be benign by multiple in silico algorithms, and/or has population frequency not consistent with disease.

Literature cited by the submitters: PubMed 17576681 (cited by Labcorp Genetics (formerly Invitae), Labcorp); PubMed 9536098 (cited by Labcorp Genetics (formerly Invitae), Labcorp).